The following is an entry in ClinVar:

NM_020461.4(TUBGCP6):c.493T>G (p.Ser165Ala)

Gene: TUBGCP6 (tubulin gamma complex component 6; minus strand). Cytogenetic location: 22q13.33.
Variant type: single nucleotide variant.
Coding change: c.493T>G on transcript NM_020461.4 (MANE Select); coding-DNA position 493, T replaced by G.
Protein change: p.Ser165Ala; replaces serine 165 with alanine.
Molecular consequence: missense variant.
Genome position (GRCh38, 1-based): chr22:50,243,967, A>C on the plus strand (T>G on the coding strand, the complement: TUBGCP6 is on the minus strand). VCF-style: chr22-50243967-A-C. GRCh37 (hg19) VCF-style: chr22-50682396-A-C.
Other names: short protein forms S165A.
Identifiers: ClinVar variation 1004767 (VCV001004767.5), dbSNP rs1035451054, ClinGen allele CA325485346.

ClinVar aggregate classification (germline): Uncertain significance (1 of 4 stars; one submission).

Allele frequency attached by ClinVar (database versions not stated): gnomAD exomes below 0.00001; TOPMed 0.00001.
gnomAD v4.1: 7 of 1,614,118 alleles (0.00043%); highest among the groups gnomAD compares: African/African-American, 0.0027%; no homozygotes.

Submission:

Labcorp Genetics (formerly Invitae), Labcorp
Classification: Uncertain significance. Last evaluated: 2025-12-14. Review status: criteria provided, single submitter. Criteria: Invitae Variant Classification Sherloc (09022015). Collection method: clinical testing. Allele origin: germline.
Comment: This sequence change replaces serine, which is neutral and polar, with alanine, which is neutral and non-polar, at codon 165 of the TUBGCP6 protein (p.Ser165Ala). This variant is not present in population databases (gnomAD no frequency). This variant has not been reported in the literature in individuals affected with TUBGCP6-related conditions. ClinVar contains an entry for this variant (Variation ID: 1004767). An algorithm developed to predict the effect of missense changes on protein structure and function outputs the following: PolyPhen-2: "Benign". The alanine amino acid residue is found in multiple mammalian species, which suggests that this missense change does not adversely affect protein function. In summary, the available evidence is currently insufficient to determine the role of this variant in disease. Therefore, it has been classified as a Variant of Uncertain Significance.